The following is an entry in ClinVar:

ClinVar aggregate classification (germline): Pathogenic. Review status: criteria provided, single submitter (1 of 4 stars). 2 submissions from 2 submitters: Pathogenic (1). 1 of the submissions does not count toward it. Last evaluated 2019-12-19.

Conditions:
Fanconi anemia complementation group A (FANCA). Also called: Fanconi anemia, group A; FANCA-Related Fanconi Anemia. Identifiers: Orphanet 84, MedGen C3469521, MONDO:0009215, OMIM 227650.
Fanconi anemia (FA). Also called: Fanconi's anemia. Identifiers: Orphanet 84, MedGen C0015625, MeSH D005199, MONDO:0019391.

Submissions (2):

Labcorp Genetics (formerly Invitae), Labcorp
Classification: Pathogenic for Fanconi anemia. Last evaluated: 2019-12-19. Review status: criteria provided, single submitter. Criteria: Invitae Variant Classification Sherloc (09022015). Collection method: clinical testing. Allele origin: germline.
Comment: For these reasons, this variant has been classified as Pathogenic. Loss-of-function variants in FANCA are known to be pathogenic (PMID: 19367192). This variant has been observed in individual(s) with fanconi anemia (PMID: 10521298). This variant is also known as 3629–3630insT in the literature. This variant is not present in population databases (ExAC no frequency). This sequence change creates a premature translational stop signal (p.Leu1211Profs*4) in the FANCA gene. It is expected to result in an absent or disrupted protein product.

Leiden Open Variation Database
Classification: Pathogenic for Fanconi anemia complementation group A. Last evaluated: 2020-02-28. Review status: no assertion criteria provided. Collection method: curation. Allele origin: germline. Affected: yes. Not counted in ClinVar's aggregate classification.
Comment: Curator: Arleen D. Auerbach. Submitter to LOVD: Arleen D. Auerbach.

Literature cited by the submitters: PubMed 19367192 (cited by Labcorp Genetics (formerly Invitae), Labcorp); PubMed 10521298 (cited by Labcorp Genetics (formerly Invitae), Labcorp and Leiden Open Variation Database).

NM_000135.4(FANCA):c.3629dup (p.Leu1211fs)

Gene: FANCA (FA complementation group A; minus strand). Cytogenetic location: 16q24.3.
Variant type: Duplication.
Coding change: c.3629dup on transcript NM_000135.4 (MANE Select); coding-DNA position 3629, one base duplicated (T; older notation c.3629dupT).
Protein change: p.Leu1211fs; shifts the reading frame from leucine 1211.
Molecular consequence: frameshift variant.
Genome position (GRCh38, 1-based): chr16:89,742,936, A duplicated on the plus strand (T on the coding strand, the reverse complement: FANCA is on the minus strand); the first of 3 consecutive A bases (chr16:89,742,936-89,742,938); duplicating any one gives the same sequence. VCF-style (leftmost placement, unchanged base first): chr16-89742935-G-GA. GRCh37 (hg19) VCF-style: chr16-89809343-G-GA.
Other names: c.3629dup, p.Leu1211fs (NM_001286167.3); short protein forms L1211fs.
Identifiers: ClinVar variation 842590 (VCV000842590.11), dbSNP rs2062172394, ClinGen allele CA916081867.
Genomic context (GRCh38, chr16:89,742,935, plus strand): 5'-CAGTGCAGCAGCTGAGAGCCAGTCCGGGTTGGGTGCTGGGGAGGCAGCCTCAGGGGAGAG[G>GA]AAACTGGGACAGAGAGAACGGGGTCATTGCAGGGCCTTACAACCATACAACCACGCCATA-3'